The following is an entry in ClinVar:

ClinVar aggregate classification (germline): Pathogenic/Likely pathogenic. Review status: criteria provided, multiple submitters, no conflicts (2 of 4 stars). 3 submissions from 3 submitters: Pathogenic (2); Likely pathogenic (1). Last evaluated 2023-11-21.

Conditions:
Zellweger spectrum disorders (ZS). Also called: Zellweger Spectrum Disorder (ZSD); Zellweger syndrome; Zellweger Spectrum Disorder; Zellweger Spectrum. Identifiers: Orphanet 912, MedGen C0043459, MONDO:0019609.
Heimler syndrome 1 (HMLR1). Also called: PEROXISOME BIOGENESIS DISORDER 1C. Identifiers: Orphanet 3220, MedGen C4551980, OMIM 234580, MONDO:0024544.

Submissions (3):

Labcorp Genetics (formerly Invitae), Labcorp
Classification: Pathogenic for Zellweger spectrum disorders. Last evaluated: 2023-11-21. Review status: criteria provided, single submitter. Criteria: Invitae Variant Classification Sherloc (09022015). Collection method: clinical testing. Allele origin: germline.
Comment: This sequence change creates a premature translational stop signal (p.Pro680Leufs*13) in the PEX1 gene. It is expected to result in an absent or disrupted protein product. Loss-of-function variants in PEX1 are known to be pathogenic (PMID: 21031596, 26387595, 31831025). This variant is not present in population databases (gnomAD no frequency). This variant has not been reported in the literature in individuals affected with PEX1-related conditions. ClinVar contains an entry for this variant (Variation ID: 1403359). For these reasons, this variant has been classified as Pathogenic.

Baylor Genetics
Classification: Pathogenic for Heimler syndrome 1. Last evaluated: 2023-05-22. Review status: criteria provided, single submitter. Criteria: ACMG Guidelines, 2015. Collection method: clinical testing. Allele origin: unknown.

Revvity Omics, Revvity
Classification: Likely pathogenic. Last evaluated: 2023-01-17. Review status: criteria provided, single submitter. Criteria: ACMG Guidelines, 2015. Collection method: clinical testing. Allele origin: germline.

Literature cited by the submitters: PubMed 21031596 (cited by Labcorp Genetics (formerly Invitae), Labcorp); PubMed 26387595 (cited by Labcorp Genetics (formerly Invitae), Labcorp); PubMed 31831025 (cited by Labcorp Genetics (formerly Invitae), Labcorp).

NM_000466.3(PEX1):c.2039del (p.Pro680fs)

Gene: PEX1 (peroxisomal biogenesis factor 1; minus strand). Cytogenetic location: 7q21.2.
Variant type: Deletion.
Coding change: c.2039del on transcript NM_000466.3 (MANE Select); coding-DNA position 2039, one base deleted (C; older notation c.2039delC).
Protein change: p.Pro680fs; shifts the reading frame from proline 680.
Molecular consequence: frameshift variant. On other transcripts: intron variant (1).
Genome position (GRCh38, 1-based): chr7:92,504,764, G deleted on the plus strand (C on the coding strand, the reverse complement: PEX1 is on the minus strand); the first of 2 consecutive G bases (chr7:92,504,764-92,504,765); deleting either gives the same sequence. VCF-style (leftmost placement, unchanged base first): chr7-92504763-AG-A. GRCh37 (hg19) VCF-style: chr7-92134077-AG-A.
Other names: c.1415del, p.Pro472fs (NM_001282678.2); c.1900+1484del (NM_001282677.2); short protein forms P680fs, P472fs.
Identifiers: ClinVar variation 1403359 (VCV001403359.9), dbSNP rs1269903353, ClinGen allele CA843848930.